The following is an entry in ClinVar:

NM_182919.4(TICAM1):c.1859C>G (p.Pro620Arg)

Gene: TICAM1 (TIR domain containing adaptor molecule 1; minus strand). Cytogenetic location: 19p13.3.
Variant type: single nucleotide variant.
Coding change: c.1859C>G on transcript NM_182919.4 (MANE Select); coding-DNA position 1859, C replaced by G.
Protein change: p.Pro620Arg; replaces proline 620 with arginine.
Molecular consequence: missense variant.
Genome position (GRCh38, 1-based): chr19:4,816,519, G>C on the plus strand (C>G on the coding strand, the complement: TICAM1 is on the minus strand). VCF-style: chr19-4816519-G-C. GRCh37 (hg19) VCF-style: chr19-4816531-G-C.
Other names: c.1817C>G, p.Pro606Arg (NM_001385678.1); c.1724C>G, p.Pro575Arg (NM_001385679.1); c.1217C>G, p.Pro406Arg (NM_001385680.1); short protein forms P406R, P606R, P575R, P620R.
Identifiers: ClinVar variation 2097337 (VCV002097337.4), dbSNP rs761523820, ClinGen allele CA9105052.
Genomic context (GRCh38, chr19:4,816,519, plus strand): 5'-GTGCCAGCCTGCCATGCGTGCAGGGGTGGCGGCTGCGGGCACCCCGGCCAAGTGGGAAAG[G>C]GTGGCGGGGCTCCCAGGGGCACCTGGCCCCCAAAGGGCATTCGAGCCCCATAGGGCGCCC-3'
Protein context (NP_891549.1, residues 610-630): GGQVPLGAPP[Pro620Arg]FPTWPGCPQP

ClinVar aggregate classification (germline): Uncertain significance (1 of 4 stars; one submission).

Conditions:
Encephalopathy, acute, infection-induced (herpes-specific), susceptibility to, 6. Also called: Herpes simplex encephalitis, susceptibility to, 4. Identifiers: Orphanet 1930, MedGen C3553869, MONDO:0013921, OMIM 614850.

Allele frequency attached by ClinVar (database versions not stated): ExAC 0.00001.
gnomAD v4.1: 2 of 1,595,640 alleles (0.00013%); highest among the groups gnomAD compares: Non-Finnish European, 0.000085%; no homozygotes.

Submission:

Labcorp Genetics (formerly Invitae), Labcorp
Classification: Uncertain significance for Encephalopathy, acute, infection-induced (herpes-specific), susceptibility to, 6. Last evaluated: 2022-04-22. Review status: criteria provided, single submitter. Criteria: Invitae Variant Classification Sherloc (09022015). Collection method: clinical testing. Allele origin: germline.
Comment: In summary, the available evidence is currently insufficient to determine the role of this variant in disease. Therefore, it has been classified as a Variant of Uncertain Significance. Algorithms developed to predict the effect of missense changes on protein structure and function are either unavailable or do not agree on the potential impact of this missense change (SIFT: "Tolerated"; PolyPhen-2: "Possibly Damaging"; Align-GVGD: "Class C0"). This variant has not been reported in the literature in individuals affected with TICAM1-related conditions. This variant is present in population databases (rs761523820, gnomAD 0.001%). This sequence change replaces proline, which is neutral and non-polar, with arginine, which is basic and polar, at codon 620 of the TICAM1 protein (p.Pro620Arg).